The following is an entry in ClinVar:

ClinVar aggregate classification (germline): Likely benign. Review status: criteria provided, multiple submitters, no conflicts (2 of 4 stars). 3 submissions from 3 submitters: Likely benign (3). Last evaluated 2026-04-01.

Conditions:
Primary ciliary dyskinesia. Also called: Ciliary dyskinesia. Identifiers: Orphanet 244, MedGen C0008780, MONDO:0016575, HP:0012265.

Allele frequency attached by ClinVar (database versions not stated): ExAC 0.00004; gnomAD exomes 0.00004 and 0.00005; gnomAD 0.00009 and 0.00011; TOPMed 0.00013; ESP Exome Variant Server 0.00023.
gnomAD v4.1: 91 of 1,613,982 alleles (0.0056%); highest among the groups gnomAD compares: Middle Eastern, 0.05%; no homozygotes.

Submissions (3):

CeGaT Center for Human Genetics Tuebingen
Classification: Likely benign. Last evaluated: 2026-04-01. Review status: criteria provided, single submitter. Criteria: CeGaT Center For Human Genetics Tuebingen Variant Classification Criteria Version 2. Collection method: clinical testing. Allele origin: germline. Affected: yes. Observed: 1 variant allele.
Comment: RSPH9: BP4, BP7

Labcorp Genetics (formerly Invitae), Labcorp
Classification: Likely benign for Primary ciliary dyskinesia. Last evaluated: 2025-07-24. Review status: criteria provided, single submitter. Criteria: Invitae Variant Classification Sherloc (09022015). Collection method: clinical testing. Allele origin: germline.

Ambry Genetics
Classification: Likely benign for Primary ciliary dyskinesia. Last evaluated: 2025-05-14. Review status: criteria provided, single submitter. Criteria: Ambry Variant Classification Scheme 2023. Collection method: clinical testing. Allele origin: germline.

NM_152732.5(RSPH9):c.288G>A (p.Ser96=)

Gene: RSPH9 (radial spoke head component 9; plus strand). Cytogenetic location: 6p21.1.
Variant type: single nucleotide variant.
Coding change: c.288G>A on transcript NM_152732.5 (MANE Select); coding-DNA position 288, G replaced by A.
Protein change: p.Ser96=; no amino-acid change (serine 96 retained).
Molecular consequence: synonymous variant. On other transcripts: non-coding transcript variant (1).
Genome position (GRCh38, 1-based): chr6:43,650,435, G>A. VCF-style: chr6-43650435-G-A. GRCh37 (hg19) VCF-style: chr6-43618172-G-A.
Other names: c.288G>A, p.Ser96= (NM_001193341.2, NM_001424119.1, NM_001424120.1 and 1 more transcripts).
Identifiers: ClinVar variation 525546 (VCV000525546.14), dbSNP rs368692729, ClinGen allele CA3828271.